The following is an entry in ClinVar:

ClinVar aggregate classification (germline): Conflicting classifications of pathogenicity. Review status: criteria provided, conflicting classifications (1 of 4 stars). 2 submissions from 2 submitters: Uncertain significance (1); Likely benign (1). Last evaluated 2025-11-17.

Conditions:
POLD1-related polyposis and colorectal cancer syndrome (CRCS10). Also called: Colorectal cancer 10; COLORECTAL CANCER, SUSCEPTIBILITY TO, ON CHROMOSOME 19q; Colorectal cancer, susceptibility to, 10. Identifiers: Orphanet 220460, MedGen C2675481, MONDO:0012953, OMIM 612591.
Hereditary cancer-predisposing syndrome. Also called: Tumor predisposition; Hereditary Cancer Syndrome; Hereditary neoplastic syndrome; Neoplastic Syndromes, Hereditary. Identifiers: Orphanet 140162, MedGen C0027672, MeSH D009386, MONDO:0015356.

Allele frequency attached by ClinVar (database versions not stated): gnomAD exomes below 0.00001.
gnomAD v4.1: 3 of 1,610,040 alleles (0.00019%); highest among the groups gnomAD compares: Non-Finnish European, 0.00026%; no homozygotes.

Submissions (2):

Labcorp Genetics (formerly Invitae), Labcorp
Classification: Likely benign for POLD1-related polyposis and colorectal cancer syndrome. Last evaluated: 2025-11-17. Review status: criteria provided, single submitter. Criteria: Invitae Variant Classification Sherloc (09022015). Collection method: clinical testing. Allele origin: germline.

Ambry Genetics
Classification: Uncertain significance for Hereditary cancer-predisposing syndrome. Last evaluated: 2025-06-26. Review status: criteria provided, single submitter. Criteria: Ambry Variant Classification Scheme 2023. Collection method: clinical testing. Allele origin: germline.
Comment: The c.1138-5C>A intronic variant results from a C to A substitution 5 nucleotides upstream from coding exon 9 in the POLD1 gene. This nucleotide position is well conserved on limited nucleotide alignment. In silico splice site analysis predicts that this alteration will not have any significant effect on splicing. Based on the available evidence, the clinical significance of this variant remains unclear.

NM_002691.4(POLD1):c.1138-5C>A

Gene: POLD1 (DNA polymerase delta 1, catalytic subunit; plus strand). Cytogenetic location: 19q13.33.
Variant type: single nucleotide variant.
Coding change: c.1138-5C>A on transcript NM_002691.4 (MANE Select); 5 bases into the intron before coding-DNA position 1138, C replaced by A.
Molecular consequence: intron variant.
Genome position (GRCh38, 1-based): chr19:50,403,488, C>A. VCF-style: chr19-50403488-C-A. GRCh37 (hg19) VCF-style: chr19-50906745-C-A.
Other names: c.1138-5C>A (NM_001256849.1, NM_001308632.1, LRG_785t2 and 1 more transcripts).
Identifiers: ClinVar variation 484353 (VCV000484353.16), dbSNP rs1374129343, ClinGen allele CA633897677.
Genomic context (GRCh38, chr19:50,403,488, plus strand): 5'-TCTGGAAGTAGGGGAATCCGAGGCAGGGCAACCACCAGGGTGACCCAATGTGCTCCCACC[C>A]CCAGGCCTGGTCCACCTTCATCCGTATCATGGACCCCGACGTGATCACCGGTTACAACAT-3'